The following is an entry in ClinVar:

NM_000632.4(ITGAM):c.607A>G (p.Lys203Glu)

Gene: ITGAM (integrin subunit alpha M; plus strand). Cytogenetic location: 16p11.2.
Variant type: single nucleotide variant.
Coding change: c.607A>G on transcript NM_000632.4 (MANE Select); coding-DNA position 607, A replaced by G.
Protein change: p.Lys203Glu; replaces lysine 203 with glutamic acid.
Molecular consequence: missense variant.
Genome position (GRCh38, 1-based): chr16:31,271,895, A>G. VCF-style: chr16-31271895-A-G. GRCh37 (hg19) VCF-style: chr16-31283216-A-G.
Other names: c.607A>G, p.Lys203Glu (NM_001145808.2); c.607A>G (NM_000632.3); short protein forms K203E.
Identifiers: ClinVar variation 1348720 (VCV001348720.7), dbSNP rs370476061, ClinGen allele CA8025285.

ClinVar aggregate classification (germline): Uncertain significance. Review status: criteria provided, multiple submitters, no conflicts (2 of 4 stars). 2 submissions from 2 submitters: Uncertain significance (2). Last evaluated 2025-03-27.

Allele frequency attached by ClinVar (database versions not stated): TOPMed 0.00004; gnomAD 0.00006; gnomAD exomes 0.00006 and 0.00008; ESP Exome Variant Server 0.00008; ExAC 0.00009.
gnomAD v4.1: 117 of 1,613,848 alleles (0.0072%); highest among the groups gnomAD compares: Admixed American, 0.01%; no homozygotes.

Submissions (2):

Labcorp Genetics (formerly Invitae), Labcorp
Classification: Uncertain significance. Last evaluated: 2025-03-27. Review status: criteria provided, single submitter. Criteria: Invitae Variant Classification Sherloc (09022015). Collection method: clinical testing. Allele origin: germline.
Comment: This sequence change replaces lysine, which is basic and polar, with glutamic acid, which is acidic and polar, at codon 203 of the ITGAM protein (p.Lys203Glu). This variant is present in population databases (rs370476061, gnomAD 0.01%). This variant has not been reported in the literature in individuals affected with ITGAM-related conditions. ClinVar contains an entry for this variant (Variation ID: 1348720). An algorithm developed to predict the effect of missense changes on protein structure and function outputs the following: PolyPhen-2: "Benign". The glutamic acid amino acid residue is found in multiple mammalian species, which suggests that this missense change does not adversely affect protein function. In summary, the available evidence is currently insufficient to determine the role of this variant in disease. Therefore, it has been classified as a Variant of Uncertain Significance.

Ambry Genetics
Classification: Uncertain significance. Last evaluated: 2023-01-17. Review status: criteria provided, single submitter. Criteria: Ambry Variant Classification Scheme 2023. Collection method: clinical testing. Allele origin: germline.